The following is an entry in ClinVar:

NM_002863.5(PYGL):c.*7G>C

Gene: PYGL (glycogen phosphorylase L; minus strand). Cytogenetic location: 14q22.1.
Variant type: single nucleotide variant.
Coding change: c.*7G>C on transcript NM_002863.5 (MANE Select); 7 bases downstream of the stop codon, G replaced by C.
Molecular consequence: 3 prime UTR variant.
Genome position (GRCh38, 1-based): chr14:50,905,385, C>G on the plus strand (G>C on the coding strand, the complement: PYGL is on the minus strand). VCF-style: chr14-50905385-C-G. GRCh37 (hg19) VCF-style: chr14-51372103-C-G.
Other names: c.*7G>C (NM_001163940.2).
Identifiers: ClinVar variation 258829 (VCV000258829.15), dbSNP rs1042266, ClinGen allele CA7183084.

ClinVar aggregate classification (germline): Benign. Review status: criteria provided, multiple submitters, no conflicts (2 of 4 stars). 6 submissions from 6 submitters: Benign (5). 1 of the submissions does not count toward it. Last evaluated 2021-11-07.

Conditions:
Glycogen storage disease, type VI (GSD6). Also called: Glycogen storage disease type 6; Hepatic glycogen phosphorylase deficiency; HERS DISEASE; PHOSPHORYLASE DEFICIENCY GLYCOGEN-STORAGE DISEASE OF LIVER; Glycogen storage disease type 6, due to phosphorylation; GSD VI. Identifiers: Orphanet 369, MedGen C0017925, MONDO:0009294, OMIM 232700.

Allele frequency attached by ClinVar (database versions not stated): ESP Exome Variant Server 0.15008; gnomAD 0.17763; TOPMed 0.19805; ExAC 0.23569; 1000 Genomes Project 30x 0.24282; 1000 Genomes Project 0.25100.
gnomAD v4.1: 331,789 of 1,604,808 alleles (21%); highest among the groups gnomAD compares: East Asian, 45%; 39,393 homozygotes.

Submissions (6):

Genome-Nilou Lab
Classification: Benign for Glycogen storage disease, type VI. Last evaluated: 2021-11-07. Review status: criteria provided, single submitter. Criteria: ACMG Guidelines, 2015. Collection method: clinical testing. Allele origin: germline. Affected: no.

GeneDx
Classification: Benign. Last evaluated: 2021-05-04. Review status: criteria provided, single submitter. Criteria: GeneDx Variant Classification Process June 2021. Collection method: clinical testing. Allele origin: germline. Affected: yes.

Illumina Laboratory Services, Illumina
Classification: Benign for Glycogen storage disease, type VI. Last evaluated: 2018-01-13. Review status: criteria provided, single submitter. Criteria: ICSL Variant Classification Criteria 13 December 2019. Collection method: clinical testing. Allele origin: germline.
Comment: This variant was observed in the ICSL laboratory as part of a predisposition screen in an ostensibly healthy population. It had not been previously curated by ICSL or reported in the Human Gene Mutation Database (HGMD: prior to June 1st, 2018), and was therefore a candidate for classification through an automated scoring system. Utilizing variant allele frequency, disease prevalence and penetrance estimates, and inheritance mode, an automated score was calculated to assess if this variant is too frequent to cause the disease. Based on the score and internal cut-off values, a variant classified as benign is not then subjected to further curation. The score for this variant resulted in a classification of benign for this disease.

Breakthrough Genomics
Classification: Benign. Review status: criteria provided, single submitter. Criteria: ACMG Guidelines, 2015. Collection method: not provided. Allele origin: germline. Inheritance: Autosomal recessive inheritance. Affected: yes.

PreventionGenetics, part of Exact Sciences
Classification: Benign. Review status: criteria provided, single submitter. Criteria: ACMG Guidelines, 2015. Collection method: clinical testing. Allele origin: germline.

Mayo Clinic Laboratories, Mayo Clinic
Classification: Benign. Last evaluated: 2015-10-23. Review status: no assertion criteria provided. Collection method: clinical testing. Allele origin: unknown. Not counted in ClinVar's aggregate classification.